The following is an entry in ClinVar:

NM_019066.5(MAGEL2):c.939CCCACCTGCACAGCCGATGGC[3] (p.Ala327_Ser328insProProAlaGlnProMetAla)

Gene: MAGEL2 (MAGE family member L2; minus strand). Cytogenetic location: 15q11.2.
Variant type: Microsatellite.
Coding change: c.939CCCACCTGCACAGCCGATGGC[3] on transcript NM_019066.5 (MANE Select); three copies in a row of the 21-base unit CCCACCTGCACAGCCGATGGC starting at c.939; the reference has two copies in a row; one copy, 21 bases duplicated.
Protein change: p.Ala327_Ser328insProProAlaGlnProMetAla.
Molecular consequence: inframe insertion.
Genome position (GRCh38, 1-based): chr15:23,646,763-23,646,783, GCCATCGGCTGTGCAGGTGGG duplicated on the plus strand (CCCACCTGCACAGCCGATGGC on the coding strand, the reverse complement: MAGEL2 is on the minus strand); duplicating any 21 consecutive bases within chr15:23,646,763-23,646,807 gives the same sequence; the position shown is the placement nearest the transcript's 3' end. VCF-style (leftmost placement, unchanged base first): chr15-23646762-A-AGCCATCGGCTGTGCAGGTGGG. GRCh37 (hg19) VCF-style: chr15-23891909-A-AGCCATCGGCTGTGCAGGTGGG.
Identifiers: ClinVar variation 3355534 (VCV003355534.2).

ClinVar aggregate classification (germline): Uncertain significance. Review status: criteria provided, single submitter (1 of 4 stars). 2 submissions from 2 submitters: Uncertain significance (1). 1 of the submissions does not count toward it. Last evaluated 2025-02-23.

Conditions:
MAGEL2-related disorder. Also called: MAGEL2-related condition.

Submissions (2):

Labcorp Genetics (formerly Invitae), Labcorp
Classification: Uncertain significance. Last evaluated: 2025-02-23. Review status: criteria provided, single submitter. Criteria: Invitae Variant Classification Sherloc (09022015). Collection method: clinical testing. Allele origin: germline.
Comment: This variant, c.960_980dup, results in the insertion of 7 amino acid(s) of the MAGEL2 protein (p.Pro321_Ala327dup), but otherwise preserves the integrity of the reading frame. This variant is present in population databases (no rsID available, gnomAD 0.01%). This variant has not been reported in the literature in individuals affected with MAGEL2-related conditions. Experimental studies and prediction algorithms are not available or were not evaluated, and the functional significance of this variant is currently unknown. In summary, the available evidence is currently insufficient to determine the role of this variant in disease. Therefore, it has been classified as a Variant of Uncertain Significance.

PreventionGenetics, part of Exact Sciences
Classification: Uncertain significance for MAGEL2-related condition. Last evaluated: 2023-11-23. Review status: no assertion criteria provided. Collection method: clinical testing. Allele origin: germline. Not counted in ClinVar's aggregate classification.
Comment: The MAGEL2 c.960_980dup21 variant is predicted to result in an in-frame duplication (p.Pro321_Ala327dup). To our knowledge, this variant has not been reported in the literature. This variant is reported in 0.013% of alleles in individuals of African descent in gnomAD. At this time, the clinical significance of this variant is uncertain due to the absence of conclusive functional and genetic evidence.